The following is an entry in ClinVar:

NM_033124.5(DRC2):c.176A>G (p.Asn59Ser)

Gene: DRC2 (dynein regulatory complex subunit 2; plus strand). Cytogenetic location: 12q13.12.
Variant type: single nucleotide variant.
Coding change: c.176A>G on transcript NM_033124.5 (MANE Select); coding-DNA position 176, A replaced by G.
Protein change: p.Asn59Ser; replaces asparagine 59 with serine.
Molecular consequence: missense variant. On other transcripts: 5 prime UTR variant (1).
Genome position (GRCh38, 1-based): chr12:48,904,989, A>G. VCF-style: chr12-48904989-A-G. GRCh37 (hg19) VCF-style: chr12-49298772-A-G.
Other names: c.-254A>G (NM_001286957.2); short protein forms N59S.
Identifiers: ClinVar variation 5000314 (VCV005000314.1).

ClinVar aggregate classification (germline): Uncertain significance (1 of 4 stars; one submission).

Conditions:
DRC2-related condition.

gnomAD v4.1: 4 of 1,613,346 alleles (0.00025%); highest among the groups gnomAD compares: South Asian, 0.0044%; no homozygotes.

Submission:

PreventionGenetics, part of Exact Sciences
Classification: Uncertain significance for DRC2-related condition. Last evaluated: 2025-08-21. Review status: criteria provided, single submitter. Criteria: ACMG Guidelines, 2015. Collection method: clinical testing. Allele origin: germline.
Comment: The DRC2 c.176A>G variant is predicted to result in the amino acid substitution p.Asn59Ser. To our knowledge, this variant has not been reported in the literature or in a large population database (gnomAD), indicating this variant is rare. At this time, the clinical significance of this variant is uncertain due to the absence of conclusive functional and genetic evidence.